The following is an entry in ClinVar:

ClinVar aggregate classification (germline): Benign (1 of 4 stars; one submission).

Allele frequency attached by ClinVar (database versions not stated): gnomAD 0.38328 and 0.38463; TOPMed 0.40017; 1000 Genomes Project 0.45934; 1000 Genomes Project 30x 0.46909.
gnomAD v4.1: 42,542 of 111,760 alleles (38%); highest among the groups gnomAD compares: African/African-American, 78%; 8,482 homozygotes.

Submission:

GeneDx
Classification: Benign. Last evaluated: 2018-06-18. Review status: criteria provided, single submitter. Criteria: GeneDx Variant Classification (06012015). Collection method: clinical testing. Allele origin: germline. Affected: yes.
Comment: This variant is considered likely benign or benign based on one or more of the following criteria: it is a conservative change, it occurs at a poorly conserved position in the protein, it is predicted to be benign by multiple in silico algorithms, and/or has population frequency not consistent with disease.

NM_001110556.2(FLNA):c.2280+189T>C

Gene: FLNA (filamin A; minus strand). Cytogenetic location: Xq28.
Variant type: single nucleotide variant.
Coding change: c.2280+189T>C on transcript NM_001110556.2 (MANE Select); 189 bases into the intron after coding-DNA position 2280, T replaced by C.
Molecular consequence: intron variant.
Genome position (GRCh38, 1-based): chrX:154,363,833, A>G on the plus strand (T>C on the coding strand, the complement: FLNA is on the minus strand). VCF-style: chrX-154363833-A-G. GRCh37 (hg19) VCF-style: chrX-153592201-A-G.
Other names: c.2280+189T>C (NM_001456.4).
Identifiers: ClinVar variation 674269 (VCV000674269.1), dbSNP rs12007167, ClinGen allele CA337282166.